The following is an entry in ClinVar:

NM_177438.3(DICER1):c.1748A>C (p.Glu583Ala)

Gene: DICER1 (dicer 1, ribonuclease III; minus strand). Cytogenetic location: 14q32.13.
Variant type: single nucleotide variant.
Coding change: c.1748A>C on transcript NM_177438.3 (MANE Select); coding-DNA position 1748, A replaced by C.
Protein change: p.Glu583Ala; replaces glutamic acid 583 with alanine.
Molecular consequence: missense variant. On other transcripts: non-coding transcript variant (6).
Genome position (GRCh38, 1-based): chr14:95,116,457, T>G on the plus strand (A>C on the coding strand, the complement: DICER1 is on the minus strand). VCF-style: chr14-95116457-T-G. GRCh37 (hg19) VCF-style: chr14-95582794-T-G.
Other names: c.1748A>C, p.Glu583Ala (NM_001195573.1, NM_001271282.3, NM_001291628.2 and 13 more transcripts); c.1466A>C, p.Glu489Ala (NM_001395686.1); c.1343A>C, p.Glu448Ala (NM_001395687.1, NM_001395688.1, NM_001395689.1 and 3 more transcripts); c.1181A>C, p.Glu394Ala (NM_001395691.1); c.65A>C, p.Glu22Ala (NM_001395697.1); short protein forms E394A, E448A, E22A, E489A, E583A.
Identifiers: ClinVar variation 2566162 (VCV002566162.6), dbSNP rs1595410332, ClinGen allele CA390884652.

ClinVar aggregate classification (germline): Uncertain significance. Review status: criteria provided, multiple submitters, no conflicts (2 of 4 stars). 2 submissions from 2 submitters: Uncertain significance (2). Last evaluated 2025-10-16.

Conditions:
DICER1-related tumor predisposition. Also called: DICER1 syndrome; DICER1-related pleuropulmonary blastoma cancer predisposition syndrome. Identifiers: Orphanet 284343, MedGen C3839822, MONDO:0100216.
Hereditary cancer-predisposing syndrome. Also called: Neoplastic Syndromes, Hereditary; Hereditary Cancer Syndrome; Tumor predisposition; Hereditary neoplastic syndrome. Identifiers: Orphanet 140162, MedGen C0027672, MeSH D009386, MONDO:0015356.

Submissions (2):

Ambry Genetics
Classification: Uncertain significance for Hereditary cancer-predisposing syndrome. Last evaluated: 2025-10-16. Review status: criteria provided, single submitter. Criteria: Ambry Variant Classification Scheme 2023. Collection method: clinical testing. Allele origin: germline.
Comment: The p.E583A variant (also known as c.1748A>C), located in coding exon 9 of the DICER1 gene, results from an A to C substitution at nucleotide position 1748. The glutamic acid at codon 583 is replaced by alanine, an amino acid with dissimilar properties. This amino acid position is conserved. In addition, the in silico prediction for this alteration is inconclusive. Based on the available evidence, the clinical significance of this variant remains unclear.

Labcorp Genetics (formerly Invitae), Labcorp
Classification: Uncertain significance for DICER1-related tumor predisposition. Last evaluated: 2023-04-10. Review status: criteria provided, single submitter. Criteria: Invitae Variant Classification Sherloc (09022015). Collection method: clinical testing. Allele origin: germline.
Comment: This variant has not been reported in the literature in individuals affected with DICER1-related conditions. In summary, the available evidence is currently insufficient to determine the role of this variant in disease. Therefore, it has been classified as a Variant of Uncertain Significance. Advanced modeling of protein sequence and biophysical properties (such as structural, functional, and spatial information, amino acid conservation, physicochemical variation, residue mobility, and thermodynamic stability) performed at Invitae indicates that this missense variant is expected to disrupt DICER1 protein function. This variant is not present in population databases (gnomAD no frequency). This sequence change replaces glutamic acid, which is acidic and polar, with alanine, which is neutral and non-polar, at codon 583 of the DICER1 protein (p.Glu583Ala).